The following is an entry in ClinVar:

NM_005633.4(SOS1):c.3707C>T (p.Pro1236Leu)

Gene: SOS1 (SOS Ras/Rac guanine nucleotide exchange factor 1; minus strand). Cytogenetic location: 2p22.1.
Variant type: single nucleotide variant.
Coding change: c.3707C>T on transcript NM_005633.4 (MANE Select); coding-DNA position 3707, C replaced by T.
Protein change: p.Pro1236Leu; replaces proline 1236 with leucine.
Molecular consequence: missense variant.
Genome position (GRCh38, 1-based): chr2:38,986,119, G>A on the plus strand (C>T on the coding strand, the complement: SOS1 is on the minus strand). VCF-style: chr2-38986119-G-A. GRCh37 (hg19) VCF-style: chr2-39213260-G-A.
Other names: c.3686C>T, p.Pro1229Leu (NM_001382394.1); c.3662C>T, p.Pro1221Leu (NM_001382395.1); short protein forms P1221L, P1229L, P1236L.
Identifiers: ClinVar variation 1200609 (VCV001200609.8), dbSNP rs533661246, ClinGen allele CA1624125.

ClinVar aggregate classification (germline): Uncertain significance. Review status: criteria provided, multiple submitters, no conflicts (2 of 4 stars). 4 submissions from 4 submitters: Uncertain significance (4). Last evaluated 2026-01-21.

Conditions:
RASopathy. Also called: Noonan spectrum disorder; rasopathies. Identifiers: Orphanet 536391, MedGen C5555857, MONDO:0021060.
Fibromatosis, gingival, 1 (GINGF1). Identifiers: Orphanet 2024, MedGen C4551558, MONDO:0007609, OMIM 135300.
Noonan syndrome 4 (NS4). Also called: SOS1-Related Noonan Syndrome; NOONAN SYNDROME WITH PIGMENTED VILLONODULAR SYNOVITIS. Identifiers: Orphanet 648, MedGen C1853120, MONDO:0012547, OMIM 610733.

Allele frequency attached by ClinVar (database versions not stated): TOPMed below 0.00001; gnomAD 0.00001 and 0.00002; gnomAD exomes 0.00001 and 0.00003; ExAC 0.00003; 1000 Genomes Project 30x 0.00016; 1000 Genomes Project 0.00020.
gnomAD v4.1: 19 of 1,613,876 alleles (0.0012%); highest among the groups gnomAD compares: Middle Eastern, 0.017%; no homozygotes.

Submissions (4):

Labcorp Genetics (formerly Invitae), Labcorp
Classification: Uncertain significance for RASopathy. Last evaluated: 2026-01-21. Review status: criteria provided, single submitter. Criteria: Invitae Variant Classification Sherloc (09022015). Collection method: clinical testing. Allele origin: germline.
Comment: This sequence change replaces proline, which is neutral and non-polar, with leucine, which is neutral and non-polar, at codon 1236 of the SOS1 protein (p.Pro1236Leu). This variant is present in population databases (rs533661246, gnomAD 0.01%). This variant has not been reported in the literature in individuals affected with SOS1-related conditions. ClinVar contains an entry for this variant (Variation ID: 1200609). Invitae Evidence Modeling of protein sequence and biophysical properties (such as structural, functional, and spatial information, amino acid conservation, physicochemical variation, residue mobility, and thermodynamic stability) has been performed for this missense variant. However, the output from this modeling did not meet the statistical confidence thresholds required to predict the impact of this variant on SOS1 protein function. In summary, the available evidence is currently insufficient to determine the role of this variant in disease. Therefore, it has been classified as a Variant of Uncertain Significance.

St. Jude Molecular Pathology, St. Jude Children's Research Hospital
Classification: Uncertain significance for Noonan syndrome 4. Last evaluated: 2025-02-05. Review status: criteria provided, single submitter. Criteria: St. Jude Assertion Criteria 2020. Collection method: clinical testing. Allele origin: germline.
Comment: The SOS1 c.3707C>T p.(Pro1236Leu) missense change has a maximum subpopulation frequency of 0.012% in gnomAD v2.1.1. The in silico tool REVEL is inconclusive about a pathogenic or benign effect of this variant on protein function, and to our knowledge functional studies have not been performed. To our knowledge, this variant has not been reported in individuals with Noonan syndrome. In summary, the evidence currently available is insufficient to determine the clinical significance of this variant. It has therefore been classified as of uncertain significance.

Fulgent Genetics
Classification: Uncertain significance for Fibromatosis, gingival, 1; Noonan syndrome 4. Last evaluated: 2021-08-02. Review status: criteria provided, single submitter. Criteria: ACMG Guidelines, 2015. Collection method: clinical testing. Allele origin: unknown.

GeneDx
Classification: Uncertain significance. Last evaluated: 2019-03-08. Review status: criteria provided, single submitter. Criteria: GeneDx Variant Classification Process June 2021. Collection method: clinical testing. Allele origin: germline. Affected: yes.
Comment: Has not been previously published as pathogenic or benign to our knowledge; In silico analysis, which includes protein predictors and evolutionary conservation, supports a deleterious effect; Missense variants in this gene are commonly considered pathogenic (Stenson et al., 2014)